The following is an entry in ClinVar:

ClinVar aggregate classification (germline): Likely pathogenic. Review status: criteria provided, single submitter (1 of 4 stars). 2 submissions from 2 submitters: Likely pathogenic (1). 1 of the submissions does not count toward it. Last evaluated 2024-01-18.

Conditions:
Fanconi anemia complementation group D2. Also called: FANCD2-Related Fanconi Anemia; FANCONI PANCYTOPENIA, TYPE 4; FANCONI ANEMIA, COMPLEMENTATION GROUP D. Identifiers: Orphanet 84, MedGen C3160738, MONDO:0009214, OMIM 227646.

Allele frequency attached by ClinVar (database versions not stated): gnomAD exomes below 0.00001; gnomAD 0.00001.

Submissions (2):

Baylor Genetics
Classification: Likely pathogenic for Fanconi anemia complementation group D2. Last evaluated: 2024-01-18. Review status: criteria provided, single submitter. Criteria: ACMG Guidelines, 2015. Collection method: clinical testing. Allele origin: unknown.

Leiden Open Variation Database
Classification: Pathogenic for Fanconi anemia complementation group D2. Last evaluated: 2020-02-28. Review status: no assertion criteria provided. Collection method: curation. Allele origin: germline. Affected: yes. Not counted in ClinVar's aggregate classification.
Comment: Curator: Arleen D. Auerbach. Submitter to LOVD: Arleen D. Auerbach.

Literature cited by the submitters: PubMed 17436244 (cited by Leiden Open Variation Database).

NM_001018115.3(FANCD2):c.1370T>C (p.Leu457Pro)

Genes: FANCD2 (FA complementation group D2; plus strand), LOC107303338 (3p25 FANCD2 Alu-mediated recombination region; plus strand). Cytogenetic location: 3p25.3.
Variant type: single nucleotide variant.
Coding change: c.1370T>C on transcript NM_001018115.3 (MANE Select); coding-DNA position 1370, T replaced by C.
Protein change: p.Leu457Pro; replaces leucine 457 with proline.
Molecular consequence: missense variant.
Genome position (GRCh38, 1-based): chr3:10,048,008, T>C. VCF-style: chr3-10048008-T-C. GRCh37 (hg19) VCF-style: chr3-10089692-T-C.
Other names: c.1370T>C, p.Leu457Pro (NM_001319984.2, NM_001374253.1, NM_001374254.1 and 1 more transcripts); short protein forms L457P.
Identifiers: ClinVar variation 929655 (VCV000929655.3), dbSNP rs1181436417, ClinGen allele CA351736439.